The following is an entry in ClinVar:

ClinVar aggregate classification (germline): Pathogenic (1 of 4 stars; one submission).

Conditions:
Pheochromocytoma. Also called: MAX-Related Hereditary Paraganglioma-Pheochromocytoma Syndrome. Identifiers: Orphanet 29072, MedGen C0031511, MONDO:0008233, OMIM 171300, HP:0002666.
Pheochromocytoma/paraganglioma syndrome 4. Also called: CAROTID BODY TUMORS AND MULTIPLE EXTRAADRENAL PHEOCHROMOCYTOMAS; PARAGANGLIOMA, FAMILIAL MALIGNANT; PARAGANGLIOMAS, HEREDITARY EXTRAADRENAL; PHEOCHROMOCYTOMA, FAMILIAL EXTRAADRENAL; Paragangliomas 4; SDHB-Related Hereditary Paraganglioma-Pheochromocytoma Syndrome (Paragangliomas 4). Identifiers: Orphanet 29072, MedGen C1861848, MONDO:0007273, OMIM 115310.
Gastrointestinal stromal tumor. Also called: Gastrointestinal stromal tumor, somatic; Gastrointestinal stroma tumor. Identifiers: Orphanet 44890, MedGen C0238198, MeSH D046152, MONDO:0011719, OMIM 606764, HP:0100723.

Submission:

Labcorp Genetics (formerly Invitae), Labcorp
Classification: Pathogenic for Gastrointestinal stromal tumor; Pheochromocytoma/paraganglioma syndrome 4; Pheochromocytoma. Last evaluated: 2025-04-16. Review status: criteria provided, single submitter. Criteria: Invitae Variant Classification Sherloc (09022015). Collection method: clinical testing. Allele origin: germline.
Comment: This sequence change creates a premature translational stop signal (p.Val140Serfs*14) in the SDHB gene. It is expected to result in an absent or disrupted protein product. Loss-of-function variants in SDHB are known to be pathogenic (PMID: 19454582, 19802898). This variant is not present in population databases (gnomAD no frequency). This variant has not been reported in the literature in individuals affected with SDHB-related conditions. ClinVar contains an entry for this variant (Variation ID: 3757686). For these reasons, this variant has been classified as Pathogenic.

Literature cited by the submitters: PubMed 19454582; PubMed 19802898.

NM_003000.3(SDHB):c.418_419del (p.Val140fs)

Gene: SDHB (succinate dehydrogenase complex iron sulfur subunit B; minus strand). Cytogenetic location: 1p36.13.
Variant type: Deletion.
Coding change: c.418_419del on transcript NM_003000.3 (MANE Select); coding-DNA positions 418 to 419, 2 bases deleted (GT; older notation c.418_419delGT).
Protein change: p.Val140fs; shifts the reading frame from valine 140.
Molecular consequence: frameshift variant. On other transcripts: intron variant (1).
Genome position (GRCh38, 1-based): chr1:17,028,604-17,028,605, AC deleted on the plus strand (GT on the coding strand, the reverse complement: SDHB is on the minus strand); deleting any 2 consecutive bases within chr1:17,028,604-17,028,606 gives the same sequence; the c. name uses the placement nearest the transcript's 3' end. VCF-style (leftmost placement, unchanged base first): chr1-17028603-AAC-A. GRCh37 (hg19) VCF-style: chr1-17355098-AAC-A.
Other names: c.369+49_369+50del (NM_001407361.1); short protein forms V140fs.
Identifiers: ClinVar variation 3757686 (VCV003757686.2).